The following is an entry in ClinVar:

NM_004260.4(RECQL4):c.1559G>A (p.Ser520Asn)

Gene: RECQL4 (RecQ like helicase 4; minus strand). Cytogenetic location: 8q24.3.
Variant type: single nucleotide variant.
Coding change: c.1559G>A on transcript NM_004260.4 (MANE Select); coding-DNA position 1559, G replaced by A.
Protein change: p.Ser520Asn; replaces serine 520 with asparagine.
Molecular consequence: missense variant. On other transcripts: non-coding transcript variant (3).
Genome position (GRCh38, 1-based): chr8:144,514,997, C>T on the plus strand (G>A on the coding strand, the complement: RECQL4 is on the minus strand). VCF-style: chr8-144514997-C-T. GRCh37 (hg19) VCF-style: chr8-145740381-C-T.
Other names: c.1463G>A, p.Ser488Asn (NM_001413017.1, NM_001413020.1); c.1559G>A, p.Ser520Asn (NM_001413018.1, NM_001413019.1, NM_001413033.1 and 1 more transcripts); c.488G>A, p.Ser163Asn (NM_001413021.1, NM_001413022.1, NM_001413023.1 and 7 more transcripts); c.1430G>A, p.Ser477Asn (NM_001413025.1); c.422G>A, p.Ser141Asn (NM_001413027.1, NM_001413030.1, NM_001413031.1 and 2 more transcripts); c.1208G>A, p.Ser403Asn (NM_001413029.1); c.1529G>A, p.Ser510Asn (NM_001413039.1); c.458G>A, p.Ser153Asn (NM_001413042.1); and 1 more; short protein forms S163N, S31N, S477N, S510N, S141N, S153N, S403N, S520N.
Identifiers: ClinVar variation 3944344 (VCV003944344.1).
Genomic context (GRCh38, chr8:144,514,997, plus strand): 5'-TGGTCATCCATGAGTGACAGCAGGGGAGAGACGACCAACGTGAGGCAGGGGCTGCGCCGG[C>T]TGTAGAGCAGCGCTGGGAGCTGGTAGCACAGGGACTTGCCGGCACCTGTAGGCAGCACCA-3'
Protein context (NP_004251.4, residues 510-530): LCYQLPALLY[Ser520Asn]RRSPCLTLVV

ClinVar aggregate classification (germline): Uncertain significance (1 of 4 stars; one submission).

Conditions:
Inborn genetic diseases. Identifiers: MedGen C0950123, MeSH D030342.

gnomAD v4.1: 1 of 1,611,254 alleles (0.000062%); highest among the groups gnomAD compares: Non-Finnish European, 0.000085%; no homozygotes.

Submission:

Ambry Genetics
Classification: Uncertain significance for Inborn genetic diseases. Last evaluated: 2025-05-31. Review status: criteria provided, single submitter. Criteria: Ambry Variant Classification Scheme 2023. Collection method: clinical testing. Allele origin: germline.
Comment: The p.S520N variant (also known as c.1559G>A), located in coding exon 9 of the RECQL4 gene, results from a G to A substitution at nucleotide position 1559. The serine at codon 520 is replaced by asparagine, an amino acid with highly similar properties. This amino acid position is conserved. In addition, this alteration is predicted to be tolerated by in silico analysis. Based on the available evidence, the clinical significance of this variant remains unclear.